The following is an entry in ClinVar:

ClinVar aggregate classification (germline): Uncertain significance (1 of 4 stars; one submission).

gnomAD v4.1: 9 of 1,613,644 alleles (0.00056%); highest among the groups gnomAD compares: Non-Finnish European, 0.00076%; no homozygotes.

Submission:

Labcorp Genetics (formerly Invitae), Labcorp
Classification: Uncertain significance. Last evaluated: 2025-10-30. Review status: criteria provided, single submitter. Criteria: Invitae Variant Classification Sherloc (09022015). Collection method: clinical testing. Allele origin: germline.
Comment: This sequence change replaces aspartic acid, which is acidic and polar, with asparagine, which is neutral and polar, at codon 116 of the MKL1 protein (p.Asp116Asn). This variant is present in population databases (rs779073393, gnomAD 0.0009%). This variant has not been reported in the literature in individuals affected with MKL1-related conditions. An algorithm developed to predict the effect of missense changes on protein structure and function (PolyPhen-2) suggests that this variant is likely to be disruptive. In summary, the available evidence is currently insufficient to determine the role of this variant in disease. Therefore, it has been classified as a Variant of Uncertain Significance.

NM_020831.6(MRTFA):c.646G>A (p.Asp216Asn)

Gene: MRTFA (myocardin related transcription factor A; minus strand). Cytogenetic location: 22q13.1.
Variant type: single nucleotide variant.
Coding change: c.646G>A on transcript NM_020831.6 (MANE Select); coding-DNA position 646, G replaced by A.
Protein change: p.Asp216Asn; replaces aspartic acid 216 with asparagine.
Molecular consequence: missense variant.
Genome position (GRCh38, 1-based): chr22:40,424,337, C>T on the plus strand (G>A on the coding strand, the complement: MRTFA is on the minus strand). VCF-style: chr22-40424337-C-T. GRCh37 (hg19) VCF-style: chr22-40820341-C-T.
Other names: c.346G>A, p.Asp116Asn (NM_001282660.2); c.646G>A, p.Asp216Asn (NM_001282661.3, NM_001282662.3); c.451G>A, p.Asp151Asn (NM_001318139.2); short protein forms D116N, D151N, D216N.
Identifiers: ClinVar variation 4754182 (VCV004754182.1).